The following is an entry in ClinVar:

NM_006950.3(SYN1):c.946G>A (p.Val316Ile)

Gene: SYN1 (synapsin I; minus strand). Cytogenetic location: Xp11.3.
Variant type: single nucleotide variant.
Coding change: c.946G>A on transcript NM_006950.3 (MANE Select); coding-DNA position 946, G replaced by A.
Protein change: p.Val316Ile; replaces valine 316 with isoleucine.
Molecular consequence: missense variant.
Genome position (GRCh38, 1-based): chrX:47,576,532, C>T on the plus strand (G>A on the coding strand, the complement: SYN1 is on the minus strand). VCF-style: chrX-47576532-C-T. GRCh37 (hg19) VCF-style: chrX-47435931-C-T.
Other names: c.946G>A, p.Val316Ile (NM_133499.2); short protein forms V316I.
Identifiers: ClinVar variation 1391677 (VCV001391677.7), dbSNP rs770266055, ClinGen allele CA10398447.

ClinVar aggregate classification (germline): Uncertain significance. Review status: criteria provided, multiple submitters, no conflicts (2 of 4 stars). 2 submissions from 2 submitters: Uncertain significance (2). Last evaluated 2025-10-29.

Conditions:
Inborn genetic diseases. Identifiers: MedGen C0950123, MeSH D030342.
Epilepsy, X-linked 1, with variable learning disabilities and behavior disorders. Also called: X-linked epilepsy-learning disabilities-behavior disorders syndrome. Identifiers: Orphanet 85294, MedGen C5774177, MONDO:0010339, OMIM 300491.

Allele frequency attached by ClinVar (database versions not stated): gnomAD exomes 0.00001; TOPMed 0.00001; ExAC 0.00002; gnomAD 0.00004.
gnomAD v4.1: 8 of 1,210,271 alleles (0.00066%); highest among the groups gnomAD compares: African/African-American, 0.007%; no homozygotes.

Submissions (2):

Ambry Genetics
Classification: Uncertain significance for Inborn genetic diseases. Last evaluated: 2025-10-29. Review status: criteria provided, single submitter. Criteria: Ambry Variant Classification Scheme 2023. Collection method: clinical testing. Allele origin: germline.
Comment: The c.946G>A (p.V316I) alteration is located in exon 7 (coding exon 7) of the SYN1 gene. This alteration results from a G to A substitution at nucleotide position 946, causing the valine (V) at amino acid position 316 to be replaced by an isoleucine (I). Based on data from gnomAD, the A allele has an overall frequency of 0.001% (2/205406) total alleles studied. The highest observed frequency was 0.011% (2/19047) of African alleles. Based on insufficient or conflicting evidence, the clinical significance of this alteration remains unclear.

Labcorp Genetics (formerly Invitae), Labcorp
Classification: Uncertain significance for Epilepsy, X-linked 1, with variable learning disabilities and behavior disorders. Last evaluated: 2025-09-17. Review status: criteria provided, single submitter. Criteria: Invitae Variant Classification Sherloc (09022015). Collection method: clinical testing. Allele origin: germline.
Comment: This sequence change replaces valine, which is neutral and non-polar, with isoleucine, which is neutral and non-polar, at codon 316 of the SYN1 protein (p.Val316Ile). The frequency data for this variant in the population databases is considered unreliable, as metrics indicate poor data quality at this position in the gnomAD database. This variant has not been reported in the literature in individuals affected with SYN1-related conditions. ClinVar contains an entry for this variant (Variation ID: 1391677). An algorithm developed to predict the effect of missense changes on protein structure and function outputs the following: PolyPhen-2: "Benign". The isoleucine amino acid residue is found in multiple mammalian species, which suggests that this missense change does not adversely affect protein function. In summary, the available evidence is currently insufficient to determine the role of this variant in disease. Therefore, it has been classified as a Variant of Uncertain Significance.